The following is an entry in ClinVar:

NM_002582.4(PARN):c.748A>C (p.Lys250Gln)

Gene: PARN (poly(A)-specific ribonuclease; minus strand). Cytogenetic location: 16p13.12.
Variant type: single nucleotide variant.
Coding change: c.748A>C on transcript NM_002582.4 (MANE Select); coding-DNA position 748, A replaced by C.
Protein change: p.Lys250Gln; replaces lysine 250 with glutamine.
Molecular consequence: missense variant.
Genome position (GRCh38, 1-based): chr16:14,604,181, T>G on the plus strand (A>C on the coding strand, the complement: PARN is on the minus strand). VCF-style: chr16-14604181-T-G. GRCh37 (hg19) VCF-style: chr16-14698038-T-G.
Other names: c.565A>C, p.Lys189Gln (NM_001134477.3); c.610A>C, p.Lys204Gln (NM_001242992.2); short protein forms K250Q, K189Q, K204Q.
Identifiers: ClinVar variation 2936762 (VCV002936762.3), dbSNP rs772655570, ClinGen allele CA394807643.

ClinVar aggregate classification (germline): Uncertain significance (1 of 4 stars; one submission).

Conditions:
Dyskeratosis congenita, autosomal recessive 6 (DKCB6). Identifiers: MedGen C4225356, MONDO:0014600, OMIM 616353.
Pulmonary fibrosis and/or bone marrow failure, Telomere-related, 4. Also called: PULMONARY FIBROSIS AND/OR BONE MARROW FAILURE SYNDROME, TELOMERE-RELATED, 4. Identifiers: Orphanet 2032, MedGen C4225347, MONDO:0014612, OMIM 616371.

Submission:

Labcorp Genetics (formerly Invitae), Labcorp
Classification: Uncertain significance for Dyskeratosis congenita, autosomal recessive 6; Pulmonary fibrosis and/or bone marrow failure, Telomere-related, 4. Last evaluated: 2023-10-17. Review status: criteria provided, single submitter. Criteria: Invitae Variant Classification Sherloc (09022015). Collection method: clinical testing. Allele origin: germline.
Comment: This sequence change replaces lysine, which is basic and polar, with glutamine, which is neutral and polar, at codon 250 of the PARN protein (p.Lys250Gln). This variant is not present in population databases (gnomAD no frequency). This variant has not been reported in the literature in individuals affected with PARN-related conditions. Advanced modeling of protein sequence and biophysical properties (such as structural, functional, and spatial information, amino acid conservation, physicochemical variation, residue mobility, and thermodynamic stability) performed at Invitae indicates that this missense variant is not expected to disrupt PARN protein function. In summary, the available evidence is currently insufficient to determine the role of this variant in disease. Therefore, it has been classified as a Variant of Uncertain Significance.